The following is an entry in ClinVar:

ClinVar aggregate classification (germline): Benign. Review status: criteria provided, multiple submitters, no conflicts (2 of 4 stars). 6 submissions from 5 submitters: Benign (6). Last evaluated 2026-01-05.

Conditions:
Charcot-Marie-Tooth disease axonal type 2L. Also called: Charcot-Marie-Tooth Neuropathy Type 2L; CHARCOT-MARIE-TOOTH DISEASE, AXONAL, AUTOSOMAL DOMINANT, TYPE 2L; CHARCOT-MARIE-TOOTH NEUROPATHY, AXONAL, TYPE 2L. Identifiers: Orphanet 99945, MedGen C1837552, MONDO:0012096, OMIM 608673.
Neuronopathy, distal hereditary motor, type 2A. Also called: CHARCOT-MARIE-TOOTH DISEASE, SPINAL, IIA; NEURONOPATHY, DISTAL HEREDITARY MOTOR, AUTOSOMAL DOMINANT 2; NEURONOPATHY, DISTAL HEREDITARY MOTOR, HARDING TYPE IIA; NEUROPATHY, DISTAL HEREDITARY MOTOR, HARDING TYPE IIA; SPINAL MUSCULAR ATROPHY, DISTAL, ADULT, AUTOSOMAL DOMINANT, HARDING TYPE IIA; HMN IIA. Identifiers: Orphanet 139525, MedGen C1834692, MONDO:0008025, OMIM 158590.

Allele frequency attached by ClinVar (database versions not stated): gnomAD exomes 0.00045 and 0.00134; ExAC 0.00170; 1000 Genomes Project 30x 0.00484; gnomAD 0.00495 and 0.00531; 1000 Genomes Project 0.00519; TOPMed 0.00537; ESP Exome Variant Server 0.00554.
gnomAD v4.1: 1,441 of 1,614,190 alleles (0.089%); highest among the groups gnomAD compares: African/African-American, 1.7%; 18 homozygotes.

Submissions (6):

Labcorp Genetics (formerly Invitae), Labcorp
Classification: Benign for Charcot-Marie-Tooth disease axonal type 2L. Last evaluated: 2026-01-05. Review status: criteria provided, single submitter. Criteria: Invitae Variant Classification Sherloc (09022015). Collection method: clinical testing. Allele origin: germline.

Fulgent Genetics
Classification: Benign for Neuronopathy, distal hereditary motor, type 2A; Charcot-Marie-Tooth disease axonal type 2L. Last evaluated: 2021-10-14. Review status: criteria provided, single submitter. Criteria: ACMG Guidelines, 2015. Collection method: clinical testing. Allele origin: unknown.

Athena Diagnostics
Classification: Benign. Last evaluated: 2020-09-15. Review status: criteria provided, single submitter. Criteria: Athena Diagnostics criteria. Collection method: clinical testing. Allele origin: unknown.

Illumina Laboratory Services, Illumina
Classification: Benign for Neuronopathy, distal hereditary motor, type 2A. Last evaluated: 2018-01-13. Review status: criteria provided, single submitter. Criteria: ICSL Variant Classification Criteria 13 December 2019. Collection method: clinical testing. Allele origin: germline.
Comment: This variant was observed in the ICSL laboratory as part of a predisposition screen in an ostensibly healthy population. It had not been previously curated by ICSL or reported in the Human Gene Mutation Database (HGMD: prior to June 1st, 2018), and was therefore a candidate for classification through an automated scoring system. Utilizing variant allele frequency, disease prevalence and penetrance estimates, and inheritance mode, an automated score was calculated to assess if this variant is too frequent to cause the disease. Based on the score and internal cut-off values, a variant classified as benign is not then subjected to further curation. The score for this variant resulted in a classification of benign for this disease.

Illumina Laboratory Services, Illumina
Classification: Benign for Charcot-Marie-Tooth disease axonal type 2L. Last evaluated: 2018-01-13. Review status: criteria provided, single submitter. Criteria: ICSL Variant Classification Criteria 13 December 2019. Collection method: clinical testing. Allele origin: germline.
Comment: the same text as in the submission from Illumina Laboratory Services, Illumina above.

GeneDx
Classification: Benign. Last evaluated: 2017-05-17. Review status: criteria provided, single submitter. Criteria: GeneDx Variant Classification (06012015). Collection method: clinical testing. Allele origin: germline. Affected: yes.
Comment: This variant is considered likely benign or benign based on one or more of the following criteria: it is a conservative change, it occurs at a poorly conserved position in the protein, it is predicted to be benign by multiple in silico algorithms, and/or has population frequency not consistent with disease.

NM_014365.3(HSPB8):c.535G>C (p.Glu179Gln)

Gene: HSPB8 (heat shock protein family B (small) member 8; plus strand). Cytogenetic location: 12q24.23.
Variant type: single nucleotide variant.
Coding change: c.535G>C on transcript NM_014365.3 (MANE Select); coding-DNA position 535, G replaced by C.
Protein change: p.Glu179Gln; replaces glutamic acid 179 with glutamine.
Molecular consequence: missense variant.
Genome position (GRCh38, 1-based): chr12:119,193,802, G>C. VCF-style: chr12-119193802-G-C. GRCh37 (hg19) VCF-style: chr12-119631607-G-C.
Other names: short protein forms E179Q.
Identifiers: ClinVar variation 307418 (VCV000307418.17), dbSNP rs74740454, ClinGen allele CA6819624.